The following is an entry in ClinVar:

ClinVar aggregate classification (germline): Benign (1 of 4 stars; one submission).

Allele frequency attached by ClinVar (database versions not stated): gnomAD 0.02745 and 0.02957; 1000 Genomes Project 0.02855; 1000 Genomes Project 30x 0.03029; TOPMed 0.03124.
gnomAD v4.1: 4,130 of 152,212 alleles (2.7%); highest among the groups gnomAD compares: African/African-American, 9.4%; 174 homozygotes.

Submission:

GeneDx
Classification: Benign. Last evaluated: 2018-06-16. Review status: criteria provided, single submitter. Criteria: GeneDx Variant Classification (06012015). Collection method: clinical testing. Allele origin: germline. Affected: yes.
Comment: This variant is considered likely benign or benign based on one or more of the following criteria: it is a conservative change, it occurs at a poorly conserved position in the protein, it is predicted to be benign by multiple in silico algorithms, and/or has population frequency not consistent with disease.

NM_020320.5(RARS2):c.396-243C>G

Gene: RARS2 (arginyl-tRNA synthetase 2, mitochondrial; minus strand). Cytogenetic location: 6q15.
Variant type: single nucleotide variant.
Coding change: c.396-243C>G on transcript NM_020320.5 (MANE Select); 243 bases into the intron before coding-DNA position 396, C replaced by G.
Molecular consequence: intron variant.
Genome position (GRCh38, 1-based): chr6:87,548,889, G>C on the plus strand (C>G on the coding strand, the complement: RARS2 is on the minus strand). VCF-style: chr6-87548889-G-C. GRCh37 (hg19) VCF-style: chr6-88258607-G-C.
Other names: c.396-243C>G (NM_001350505.2); c.-74-3190C>G (NM_001350509.2, NM_001318785.2); c.-130-243C>G (NM_001350506.2, NM_001350510.2, NM_001350508.2 and 2 more transcripts).
Identifiers: ClinVar variation 678370 (VCV000678370.1), dbSNP rs6911680, ClinGen allele CA142865219.
Genomic context (GRCh38, chr6:87,548,889, plus strand): 5'-TTAATGAAATTGATCTTGTGACTCCTGAAGTAATAGCATTCACGTAAGTGGTATCTGCTA[G>C]TATTTACTGTATCAGAAATCAAAATTTAAAAATGTAAAAATACCCCCAGCACAATGGCTC-3'